The following is an entry in ClinVar:

NM_005548.3(KARS1):c.1368C>T (p.Cys456=)

Genes: KARS1 (lysyl-tRNA synthetase 1; minus strand), LOC126862402 (CDK7 strongly-dependent group 2 enhancer GRCh37_chr16:75663368-75664567; plus strand). Cytogenetic location: 16q23.1.
Variant type: single nucleotide variant.
Coding change: c.1368C>T on transcript NM_005548.3 (MANE Select); coding-DNA position 1368, C replaced by T.
Protein change: p.Cys456=; no amino-acid change (cysteine 456 retained).
Molecular consequence: synonymous variant.
Genome position (GRCh38, 1-based): chr16:75,630,479, G>A on the plus strand (C>T on the coding strand, the complement: KARS1 is on the minus strand). VCF-style: chr16-75630479-G-A. GRCh37 (hg19) VCF-style: chr16-75664377-G-A.
Other names: c.1452C>T, p.Cys484= (NM_001130089.2); c.900C>T, p.Cys300= (NM_001378148.1).
Identifiers: ClinVar variation 735418 (VCV000735418.44), dbSNP rs376044061, ClinGen allele CA8177276.

ClinVar aggregate classification (germline): Likely benign. Review status: criteria provided, multiple submitters, no conflicts (2 of 4 stars). 6 submissions from 6 submitters: Likely benign (6). Last evaluated 2026-01-15.

Allele frequency attached by ClinVar (database versions not stated): gnomAD 0.00005 and 0.00007; gnomAD exomes 0.00006 and 0.00007; TOPMed 0.00006; ExAC 0.00007; ESP Exome Variant Server 0.00008.
gnomAD v4.1: 97 of 1,611,550 alleles (0.006%); highest among the groups gnomAD compares: Middle Eastern, 0.082%; no homozygotes.

Submissions (6):

Labcorp Genetics (formerly Invitae), Labcorp
Classification: Likely benign. Last evaluated: 2026-01-15. Review status: criteria provided, single submitter. Criteria: Invitae Variant Classification Sherloc (09022015). Collection method: clinical testing. Allele origin: germline.

Blueprint Genetics
Classification: Likely benign. Last evaluated: 2024-09-16. Review status: criteria provided, single submitter. Criteria: ACMG Guidelines, 2015. Collection method: clinical testing. Allele origin: germline.

CeGaT Center for Human Genetics Tuebingen
Classification: Likely benign. Last evaluated: 2023-01-01. Review status: criteria provided, single submitter. Criteria: CeGaT Center For Human Genetics Tuebingen Variant Classification Criteria Version 2. Collection method: clinical testing. Allele origin: germline. Affected: yes. Observed: 1 variant allele.
Comment: KARS1: BP4

GeneDx
Classification: Likely benign. Last evaluated: 2021-05-25. Review status: criteria provided, single submitter. Criteria: GeneDx Variant Classification Process June 2021. Collection method: clinical testing. Allele origin: germline. Affected: yes.

ARUP Laboratories, Molecular Genetics and Genomics, ARUP Laboratories
Classification: Likely benign. Last evaluated: 2020-07-30. Review status: criteria provided, single submitter. Criteria: ARUP Molecular Germline Variant Investigation Process. Collection method: clinical testing. Allele origin: germline.

Breakthrough Genomics
Classification: Likely benign. Review status: criteria provided, single submitter. Criteria: ACMG Guidelines, 2015. Collection method: not provided. Allele origin: germline. Inheritance: Autosomal recessive inheritance. Affected: yes.